The following is an entry in ClinVar:

ClinVar aggregate classification (germline): Likely benign (1 of 4 stars; one submission).

Submission:

CeGaT Center for Human Genetics Tuebingen
Classification: Likely benign. Last evaluated: 2026-06-01. Review status: criteria provided, single submitter. Criteria: CeGaT Center For Human Genetics Tuebingen Variant Classification Criteria Version 2. Collection method: clinical testing. Allele origin: germline. Affected: yes. Observed: 1 variant allele.
Comment: PIK3CG: BP4, BP7

NM_001282426.2(PIK3CG):c.3033C>T (p.Asp1011=)

Gene: PIK3CG (phosphatidylinositol-4,5-bisphosphate 3-kinase catalytic subunit gamma; plus strand). Cytogenetic location: 7q22.3.
Variant type: single nucleotide variant.
Coding change: c.3033C>T on transcript NM_001282426.2 (MANE Select); coding-DNA position 3033, C replaced by T.
Protein change: p.Asp1011=; no amino-acid change (aspartic acid 1011 retained).
Molecular consequence: synonymous variant.
Genome position (GRCh38, 1-based): chr7:106,905,111, C>T. VCF-style: chr7-106905111-C-T. GRCh37 (hg19) VCF-style: chr7-106545556-C-T.
Other names: c.3033C>T, p.Asp1011= (NM_001282427.2, NM_002649.3).
Identifiers: ClinVar variation 4874176 (VCV004874176.2).